The following is an entry in ClinVar:

NM_000726.5(CACNB4):c.*3157T>A

Gene: CACNB4 (calcium voltage-gated channel auxiliary subunit beta 4; minus strand). Cytogenetic location: 2q23.3.
Variant type: single nucleotide variant.
Coding change: c.*3157T>A on transcript NM_000726.5 (MANE Select); 3157 bases downstream of the stop codon, T replaced by A.
Molecular consequence: 3 prime UTR variant.
Genome position (GRCh38, 1-based): chr2:151,835,962, A>T on the plus strand (T>A on the coding strand, the complement: CACNB4 is on the minus strand). VCF-style: chr2-151835962-A-T. GRCh37 (hg19) VCF-style: chr2-152692476-A-T.
Other names: c.*3157T>A (NM_001005746.4, NM_001005747.4, NM_001145798.3 and 7 more transcripts).
Identifiers: ClinVar variation 331579 (VCV000331579.6), dbSNP rs10497086, ClinGen allele CA10611385.

ClinVar aggregate classification (germline): Benign (1 of 4 stars; one submission).

Conditions:
Episodic ataxia type 5. Identifiers: Orphanet 211067, MedGen C1866039, MONDO:0013464, OMIM 613855.

Allele frequency attached by ClinVar (database versions not stated): gnomAD 0.02768 and 0.02802; 1000 Genomes Project 0.03095; 1000 Genomes Project 30x 0.03435; TOPMed 0.03636.

Submission:

Illumina Laboratory Services, Illumina
Classification: Benign for Episodic ataxia type 5. Last evaluated: 2018-01-13. Review status: criteria provided, single submitter. Criteria: ICSL Variant Classification Criteria 13 December 2019. Collection method: clinical testing. Allele origin: germline.
Comment: This variant was observed in the ICSL laboratory as part of a predisposition screen in an ostensibly healthy population. It had not been previously curated by ICSL or reported in the Human Gene Mutation Database (HGMD: prior to June 1st, 2018), and was therefore a candidate for classification through an automated scoring system. Utilizing variant allele frequency, disease prevalence and penetrance estimates, and inheritance mode, an automated score was calculated to assess if this variant is too frequent to cause the disease. Based on the score and internal cut-off values, a variant classified as benign is not then subjected to further curation. The score for this variant resulted in a classification of benign for this disease.